The following is an entry in ClinVar:

NM_003244.4(TGIF1):c.16+1720T>C

Gene: TGIF1 (TGFB induced factor homeobox 1; plus strand). Cytogenetic location: 18p11.31.
Variant type: single nucleotide variant.
Coding change: c.16+1720T>C on transcript NM_003244.4 (MANE Select); 1720 bases into the intron after coding-DNA position 16, T replaced by C.
Molecular consequence: intron variant. On other transcripts: 5 prime UTR variant (1).
Genome position (GRCh38, 1-based): chr18:3,452,225, T>C. VCF-style: chr18-3452225-T-C. GRCh37 (hg19) VCF-style: chr18-3452223-T-C.
Other names: c.-202T>C (NM_170695.5); c.-44-4129T>C (NM_174886.3, NM_001278686.3); c.59-4129T>C (NM_173207.4); c.-45+3686T>C (NM_001374396.1); c.25+2569T>C (NM_001278682.2); c.16+1720T>C (NM_173208.3, NM_001278684.2); c.-45+2155T>C (NM_173209.3); c.-45+450T>C (NM_173210.4); and 1 more.
Identifiers: ClinVar variation 3056948 (VCV003056948.3), dbSNP rs557543525, ClinGen allele CA8875795.
Genomic context (GRCh38, chr18:3,452,225, plus strand): 5'-AGCGCCGTGGTCCTCCCTGGCGACCCCCTCTGCGCTCCTGGGGTCCTCCTGCGCCCCCCC[T>C]CCTCCACCGGCGCGCTGCCCACAGCCGCGTGCCCTCTCCCCGGAGCTGGGGACCAAGGCT-3'

ClinVar aggregate classification (germline): Likely benign. Review status: criteria provided, single submitter (1 of 4 stars). 2 submissions from 2 submitters: Likely benign (1). 1 of the submissions does not count toward it. Last evaluated 2024-11-18.

Conditions:
TGIF1-related disorder. Also called: TGIF1-related condition.

Allele frequency attached by ClinVar (database versions not stated): ExAC 0.00293; 1000 Genomes Project 0.05112.
gnomAD v4.1: 1,875 of 811,796 alleles (0.23%); highest among the groups gnomAD compares: African/African-American, 1.4%; 4 homozygotes.

Submissions (2):

Blueprint Genetics
Classification: Likely benign. Last evaluated: 2024-11-18. Review status: criteria provided, single submitter. Criteria: ACMG Guidelines, 2015. Collection method: clinical testing. Allele origin: germline.

PreventionGenetics, part of Exact Sciences
Classification: Benign for TGIF1-related condition. Last evaluated: 2019-05-17. Review status: no assertion criteria provided. Collection method: clinical testing. Allele origin: germline. Not counted in ClinVar's aggregate classification.
Comment: This variant is classified as benign based on ACMG/AMP sequence variant interpretation guidelines (Richards et al. 2015 PMID: 25741868, with internal and published modifications).